The following is an entry in ClinVar:

NM_021813.4(BACH2):c.1935G>T (p.Glu645Asp)

Gene: BACH2 (BACH transcriptional regulator 2; minus strand). Cytogenetic location: 6q15.
Variant type: single nucleotide variant.
Coding change: c.1935G>T on transcript NM_021813.4 (MANE Select); coding-DNA position 1935, G replaced by T.
Protein change: p.Glu645Asp; replaces glutamic acid 645 with aspartic acid.
Molecular consequence: missense variant.
Genome position (GRCh38, 1-based): chr6:89,938,252, C>A on the plus strand (G>T on the coding strand, the complement: BACH2 is on the minus strand). VCF-style: chr6-89938252-C-A. GRCh37 (hg19) VCF-style: chr6-90647971-C-A.
Other names: c.1935G>T, p.Glu645Asp (NM_001170794.2); short protein forms E645D.
Identifiers: ClinVar variation 2195021 (VCV002195021.4), dbSNP rs201170817, ClinGen allele CA3927894.

ClinVar aggregate classification (germline): Uncertain significance (1 of 4 stars; one submission).

Allele frequency attached by ClinVar (database versions not stated): gnomAD 0.00001; TOPMed 0.00006; ExAC 0.00011; 1000 Genomes Project 30x 0.00016; 1000 Genomes Project 0.00020.
gnomAD v4.1: 16 of 1,614,268 alleles (0.00099%); highest among the groups gnomAD compares: East Asian, 0.036%; no homozygotes.

Submission:

Labcorp Genetics (formerly Invitae), Labcorp
Classification: Uncertain significance. Last evaluated: 2022-03-13. Review status: criteria provided, single submitter. Criteria: Invitae Variant Classification Sherloc (09022015). Collection method: clinical testing. Allele origin: germline.
Comment: This sequence change replaces glutamic acid, which is acidic and polar, with aspartic acid, which is acidic and polar, at codon 645 of the BACH2 protein (p.Glu645Asp). This variant is present in population databases (rs201170817, gnomAD 0.1%), and has an allele count higher than expected for a pathogenic variant. This variant has not been reported in the literature in individuals affected with BACH2-related conditions. Algorithms developed to predict the effect of missense changes on protein structure and function are either unavailable or do not agree on the potential impact of this missense change (SIFT: "Deleterious"; PolyPhen-2: "Benign"; Align-GVGD: "Class C0"). In summary, the available evidence is currently insufficient to determine the role of this variant in disease. Therefore, it has been classified as a Variant of Uncertain Significance.